The following is an entry in ClinVar:

NM_032447.5(FBN3):c.5170G>A (p.Glu1724Lys)

Gene: FBN3 (fibrillin 3; minus strand). Cytogenetic location: 19p13.2.
Variant type: single nucleotide variant.
Coding change: c.5170G>A on transcript NM_032447.5 (MANE Select); coding-DNA position 5170, G replaced by A.
Protein change: p.Glu1724Lys; replaces glutamic acid 1724 with lysine.
Molecular consequence: missense variant.
Genome position (GRCh38, 1-based): chr19:8,097,406, C>T on the plus strand (G>A on the coding strand, the complement: FBN3 is on the minus strand). VCF-style: chr19-8097406-C-T. GRCh37 (hg19) VCF-style: chr19-8162290-C-T.
Other names: c.5170G>A, p.Glu1724Lys (NM_001321431.2); short protein forms E1724K.
Identifiers: ClinVar variation 2731325 (VCV002731325.3), dbSNP rs564908506, ClinGen allele CA9151757.

ClinVar aggregate classification (germline): Uncertain significance (1 of 4 stars; one submission).

Allele frequency attached by ClinVar (database versions not stated): gnomAD exomes below 0.00001; gnomAD 0.00001; ExAC 0.00002; 1000 Genomes Project 0.00020; 1000 Genomes Project 30x 0.00031.
gnomAD v4.1: 4 of 1,591,684 alleles (0.00025%); highest among the groups gnomAD compares: South Asian, 0.0044%; no homozygotes.

Submission:

Labcorp Genetics (formerly Invitae), Labcorp
Classification: Uncertain significance. Last evaluated: 2023-06-28. Review status: criteria provided, single submitter. Criteria: Invitae Variant Classification Sherloc (09022015). Collection method: clinical testing. Allele origin: germline.
Comment: Advanced modeling of protein sequence and biophysical properties (such as structural, functional, and spatial information, amino acid conservation, physicochemical variation, residue mobility, and thermodynamic stability) performed at Invitae indicates that this missense variant is expected to disrupt FBN3 protein function. This variant has not been reported in the literature in individuals affected with FBN3-related conditions. This variant is present in population databases (rs564908506, gnomAD 0.01%). This sequence change replaces glutamic acid, which is acidic and polar, with lysine, which is basic and polar, at codon 1724 of the FBN3 protein (p.Glu1724Lys). In summary, the available evidence is currently insufficient to determine the role of this variant in disease. Therefore, it has been classified as a Variant of Uncertain Significance.